The following is an entry in ClinVar:

NM_020987.5(ANK3):c.4439G>A (p.Arg1480Gln)

Gene: ANK3 (ankyrin 3; minus strand). Cytogenetic location: 10q21.2.
Variant type: single nucleotide variant.
Coding change: c.4439G>A on transcript NM_020987.5 (MANE Select); coding-DNA position 4439, G replaced by A.
Protein change: p.Arg1480Gln; replaces arginine 1480 with glutamine.
Molecular consequence: missense variant. On other transcripts: intron variant (4).
Genome position (GRCh38, 1-based): chr10:60,076,442, C>T on the plus strand (G>A on the coding strand, the complement: ANK3 is on the minus strand). VCF-style: chr10-60076442-C-T. GRCh37 (hg19) VCF-style: chr10-61836200-C-T.
Other names: c.4387+4095G>A (NM_001204403.2); c.4408+4095G>A (NM_001204404.2); c.4405+4095G>A (NM_001320874.2); c.1807+4095G>A (NM_001149.4); short protein forms R1480Q.
Identifiers: ClinVar variation 2104981 (VCV002104981.5), dbSNP rs758415345, ClinGen allele CA5512180.

ClinVar aggregate classification (germline): Uncertain significance. Review status: criteria provided, multiple submitters, no conflicts (2 of 4 stars). 2 submissions from 2 submitters: Uncertain significance (2). Last evaluated 2025-12-04.

Allele frequency attached by ClinVar (database versions not stated): gnomAD exomes below 0.00001; ExAC 0.00001; gnomAD 0.00001; TOPMed 0.00001.
gnomAD v4.1: 7 of 1,560,088 alleles (0.00045%); highest among the groups gnomAD compares: Non-Finnish European, 0.00061%; no homozygotes.

Submissions (2):

Women's Health and Genetics/Laboratory Corporation of America, LabCorp
Classification: Uncertain significance. Last evaluated: 2025-12-04. Review status: criteria provided, single submitter. Criteria: LabCorp Variant Classification Summary - May 2015. Collection method: clinical testing. Allele origin: germline.
Comment: Variant summary: ANK3 c.4439G>A (p.Arg1480Gln) results in a conservative amino acid change in the encoded protein sequence. Algorithms developed to predict the effect of missense changes on protein structure and function are either unavailable or do not agree on the potential impact of this missense change. The variant allele was found at a frequency of 4.6e-06 in 219364 control chromosomes. The available data on variant occurrences in the general population are insufficient to allow any conclusion about variant significance. To our knowledge, no occurrence of c.4439G>A in individuals affected with ANK3-related conditions and no experimental evidence demonstrating its impact on protein function have been reported. ClinVar contains an entry for this variant (Variation ID: 2104981). Based on the evidence outlined above, the variant was classified as uncertain significance.

Labcorp Genetics (formerly Invitae), Labcorp
Classification: Uncertain significance. Last evaluated: 2022-07-29. Review status: criteria provided, single submitter. Criteria: Invitae Variant Classification Sherloc (09022015). Collection method: clinical testing. Allele origin: germline.
Comment: This sequence change replaces arginine, which is basic and polar, with glutamine, which is neutral and polar, at codon 1480 of the ANK3 protein (p.Arg1480Gln). This variant is present in population databases (rs758415345, gnomAD 0.001%). This variant has not been reported in the literature in individuals affected with ANK3-related conditions. Algorithms developed to predict the effect of missense changes on protein structure and function are either unavailable or do not agree on the potential impact of this missense change (SIFT: "Not Available"; PolyPhen-2: "Benign"; Align-GVGD: "Not Available"). In summary, the available evidence is currently insufficient to determine the role of this variant in disease. Therefore, it has been classified as a Variant of Uncertain Significance.